The following is an entry in ClinVar:

ClinVar aggregate classification (germline): Uncertain significance (1 of 4 stars; one submission).

Conditions:
Primary ciliary dyskinesia. Also called: Ciliary dyskinesia. Identifiers: Orphanet 244, MedGen C0008780, MONDO:0016575, HP:0012265.

Allele frequency attached by ClinVar (database versions not stated): gnomAD exomes below 0.00001.
gnomAD v4.1: 2 of 1,614,224 alleles (0.00012%); highest among the groups gnomAD compares: East Asian, 0.0022%; no homozygotes.

Submission:

Ambry Genetics
Classification: Uncertain significance for Primary ciliary dyskinesia. Last evaluated: 2022-05-15. Review status: criteria provided, single submitter. Criteria: Ambry Variant Classification Scheme 2023. Collection method: clinical testing. Allele origin: germline.
Comment: The p.E949D variant (also known as c.2847G>C), located in coding exon 19 of the DNAH5 gene, results from a G to C substitution at nucleotide position 2847. The glutamic acid at codon 949 is replaced by aspartic acid, an amino acid with highly similar properties. This amino acid position is conserved. In addition, this alteration is predicted to be tolerated by in silico analysis. Since supporting evidence is limited at this time, the clinical significance of this alteration remains unclear.

NM_001369.3(DNAH5):c.2847G>C (p.Glu949Asp)

Genes: DNAH5 (dynein axonemal heavy chain 5; minus strand), DNAH5-AS1 (DNAH5 antisense RNA 1; plus strand). Cytogenetic location: 5p15.2.
Variant type: single nucleotide variant.
Coding change: c.2847G>C on transcript NM_001369.3 (MANE Select); coding-DNA position 2847, G replaced by C.
Protein change: p.Glu949Asp; replaces glutamic acid 949 with aspartic acid.
Molecular consequence: missense variant.
Genome position (GRCh38, 1-based): chr5:13,885,125, C>G on the plus strand (G>C on the coding strand, the complement: DNAH5 is on the minus strand). VCF-style: chr5-13885125-C-G. GRCh37 (hg19) VCF-style: chr5-13885234-C-G.
Other names: short protein forms E949D.
Identifiers: ClinVar variation 1796785 (VCV001796785.2), dbSNP rs1327112486, ClinGen allele CA359195339.
Genomic context (GRCh38, chr5:13,885,125, plus strand): 5'-AGCATCCATGTTCTGATGGTTGAAATGAGAGAGTAACTCGCGGGCTTCTTCCCCTAACAT[C>G]TCAGTTTCTTTCTTTTTCCTCGTGACTGTCGTCAAAAGCAGGGCATTGGCCCTGGCATTA-3'
Protein context (NP_001360.1, residues 939-959): TTVTRKKKET[Glu949Asp]MLGEEARELL